The following is an entry in ClinVar:

ClinVar aggregate classification (germline): Uncertain significance (1 of 4 stars; one submission).

Conditions:
Cortical dysplasia-focal epilepsy syndrome (PTHSL1). Also called: Pitt-Hopkins-like syndrome 1. Identifiers: Orphanet 163681, Orphanet 221150, MedGen C2750246, MONDO:0012400, OMIM 610042.

Submission:

Labcorp Genetics (formerly Invitae), Labcorp
Classification: Uncertain significance for Cortical dysplasia-focal epilepsy syndrome. Last evaluated: 2025-10-01. Review status: criteria provided, single submitter. Criteria: Invitae Variant Classification Sherloc (09022015). Collection method: clinical testing. Allele origin: germline.
Comment: This sequence change replaces alanine, which is neutral and non-polar, with aspartic acid, which is acidic and polar, at codon 213 of the CNTNAP2 protein (p.Ala213Asp). This variant is not present in population databases (gnomAD no frequency). This variant has not been reported in the literature in individuals affected with CNTNAP2-related conditions. An algorithm developed to predict the effect of missense changes on protein structure and function (PolyPhen-2) suggests that this variant is likely to be tolerated. In summary, the available evidence is currently insufficient to determine the role of this variant in disease. Therefore, it has been classified as a Variant of Uncertain Significance.

NM_014141.6(CNTNAP2):c.638C>A (p.Ala213Asp)

Gene: CNTNAP2 (contactin associated protein 2; plus strand). Cytogenetic location: 7q35.
Variant type: single nucleotide variant.
Coding change: c.638C>A on transcript NM_014141.6 (MANE Select); coding-DNA position 638, C replaced by A.
Protein change: p.Ala213Asp; replaces alanine 213 with aspartic acid.
Molecular consequence: missense variant.
Genome position (GRCh38, 1-based): chr7:147,108,234, C>A. VCF-style: chr7-147108234-C-A. GRCh37 (hg19) VCF-style: chr7-146805326-C-A.
Other names: short protein forms A213D.
Identifiers: ClinVar variation 4765445 (VCV004765445.1).